The following is an entry in ClinVar:

NM_213602.3(SIGLEC15):c.817T>C (p.Phe273Leu)

Genes: EPG5 (ectopic P-granules 5 autophagy tethering factor; minus strand), SIGLEC15 (sialic acid binding Ig like lectin 15; plus strand). Cytogenetic location: 18q12.3.
Variant type: single nucleotide variant.
Coding change: c.817T>C on transcript NM_213602.3 (MANE Select); coding-DNA position 817, T replaced by C.
Protein change: p.Phe273Leu; replaces phenylalanine 273 with leucine.
Molecular consequence: missense variant.
Genome position (GRCh38, 1-based): chr18:45,839,038, T>C. VCF-style: chr18-45839038-T-C. GRCh37 (hg19) VCF-style: chr18-43419003-T-C.
Other names: short protein forms F273L.
Identifiers: ClinVar variation 1247677 (VCV001247677.3), dbSNP rs2919643, ClinGen allele CA8947844.

ClinVar aggregate classification (germline): Benign. Review status: criteria provided, multiple submitters, no conflicts (2 of 4 stars). 2 submissions from 2 submitters: Benign (2). Last evaluated 2019-10-17.

Allele frequency attached by ClinVar (database versions not stated): gnomAD exomes 0.17501 and 0.26423; ESP Exome Variant Server 0.22486; gnomAD 0.29117 and 0.29251; ExAC 0.31547; TOPMed 0.31840; 1000 Genomes Project 0.39657.
gnomAD v4.1: 291,760 of 1,556,420 alleles (19%); highest among the groups gnomAD compares: African/African-American, 54%; 37,520 homozygotes.

Submissions (2):

GeneDx
Classification: Benign. Last evaluated: 2019-10-17. Review status: criteria provided, single submitter. Criteria: GeneDx Variant Classification Process June 2021. Collection method: clinical testing. Allele origin: germline. Affected: yes.
Comment: This variant is associated with the following publications: (PMID: 31189718)

Breakthrough Genomics
Classification: Benign. Review status: criteria provided, single submitter. Criteria: ACMG Guidelines, 2015. Collection method: not provided. Allele origin: germline. Inheritance: Unknown mechanism. Affected: yes.